The following is an entry in ClinVar:

NM_170707.4(LMNA):c.658C>G (p.Arg220Gly)

Gene: LMNA (lamin A/C; plus strand). Cytogenetic location: 1q22.
Variant type: single nucleotide variant.
Coding change: c.658C>G on transcript NM_170707.4 (MANE Select); coding-DNA position 658, C replaced by G.
Protein change: p.Arg220Gly; replaces arginine 220 with glycine.
Molecular consequence: missense variant.
Genome position (GRCh38, 1-based): chr1:156,134,823, C>G. VCF-style: chr1-156134823-C-G. GRCh37 (hg19) VCF-style: chr1-156104614-C-G.
Other names: c.322C>G, p.Arg108Gly (NM_001257374.3); c.415C>G, p.Arg139Gly (NM_001282624.2); c.658C>G, p.Arg220Gly (NM_001282625.2, NM_001282626.2, NM_005572.4 and 1 more transcripts); short protein forms R108G, R139G, R220G.
Identifiers: ClinVar variation 1704131 (VCV001704131.6), dbSNP rs370134870, ClinGen allele CA342817147.

ClinVar aggregate classification (germline): Conflicting classifications of pathogenicity. Review status: criteria provided, conflicting classifications (1 of 4 stars). 2 submissions from 2 submitters: Likely pathogenic (1); Uncertain significance (1). Last evaluated 2025-06-08.

Conditions:
Charcot-Marie-Tooth disease type 2. Also called: Charcot-Marie-Tooth type 2. Identifiers: Orphanet 64746, MedGen C0270914, MONDO:0018993.

Submissions (2):

Labcorp Genetics (formerly Invitae), Labcorp
Classification: Uncertain significance for Charcot-Marie-Tooth disease type 2. Last evaluated: 2025-06-08. Review status: criteria provided, single submitter. Criteria: Invitae Variant Classification Sherloc (09022015). Collection method: clinical testing. Allele origin: germline.
Comment: This sequence change replaces arginine, which is basic and polar, with glycine, which is neutral and non-polar, at codon 220 of the LMNA protein (p.Arg220Gly). This variant is not present in population databases (gnomAD no frequency). This missense change has been observed in individual(s) with clinical features of LMNA-related conditions (PMID: 27884249). ClinVar contains an entry for this variant (Variation ID: 1704131). Invitae Evidence Modeling of protein sequence and biophysical properties (such as structural, functional, and spatial information, amino acid conservation, physicochemical variation, residue mobility, and thermodynamic stability) indicates that this missense variant is expected to disrupt LMNA protein function with a positive predictive value of 95%. In summary, the available evidence is currently insufficient to determine the role of this variant in disease. Therefore, it has been classified as a Variant of Uncertain Significance.

GeneDx
Classification: Likely pathogenic. Last evaluated: 2024-03-07. Review status: criteria provided, single submitter. Criteria: GeneDx Variant Classification Process June 2021. Collection method: clinical testing. Allele origin: germline. Affected: yes.
Comment: Observed in association with an LMNA-related disorder in patients referred for genetic testing at GeneDx and in the published literature (PMID: 27884249); Not observed at significant frequency in large population cohorts (gnomAD); In silico analysis supports that this missense variant has a deleterious effect on protein structure/function; This variant is associated with the following publications: (PMID: 32155092, 27884249, 10939567)

Literature cited by the submitters: PubMed 27884249 (cited by Labcorp Genetics (formerly Invitae), Labcorp).